The following continues an entry in ClinVar:

NM_001122681.2(SH3BP2):c.586+8G>A

Gene: SH3BP2. ClinVar aggregate classification (germline): Benign. Benign (7).

Submissions 32 to 43 of 43:

Dr. Peter K. Rogan Lab, Western University
No classification provided (evidence only). Condition: Nonpapillary renal cell carcinoma. Review status: no classification provided. Collection method: in vitro. Allele origin: not applicable. Functional consequence: cryptic splice site, retained intron. Not counted in ClinVar's aggregate classification.

Dr. Peter K. Rogan Lab, Western University
No classification provided (evidence only). Condition: Nonpapillary renal cell carcinoma. Review status: no classification provided. Collection method: in vitro. Allele origin: not applicable. Functional consequence: retained intron. Not counted in ClinVar's aggregate classification.

Dr. Peter K. Rogan Lab, Western University
No classification provided (evidence only). Condition: Familial pancreatic carcinoma. Review status: no classification provided. Collection method: in vitro. Allele origin: not applicable. Functional consequence: retained intron. Not counted in ClinVar's aggregate classification.

Dr. Peter K. Rogan Lab, Western University
No classification provided (evidence only). Condition: Familial pancreatic carcinoma. Review status: no classification provided. Collection method: in vitro. Allele origin: not applicable. Functional consequence: retained intron. Not counted in ClinVar's aggregate classification.

Dr. Peter K. Rogan Lab, Western University
No classification provided (evidence only). Condition: Familial pancreatic carcinoma. Review status: no classification provided. Collection method: in vitro. Allele origin: not applicable. Functional consequence: cryptic splice site, retained intron. Not counted in ClinVar's aggregate classification.

Dr. Peter K. Rogan Lab, Western University
No classification provided (evidence only). Condition: Familial pancreatic carcinoma. Review status: no classification provided. Collection method: in vitro. Allele origin: not applicable. Functional consequence: retained intron. Not counted in ClinVar's aggregate classification.

Dr. Peter K. Rogan Lab, Western University
No classification provided (evidence only). Condition: Familial pancreatic carcinoma. Review status: no classification provided. Collection method: in vitro. Allele origin: not applicable. Functional consequence: retained intron. Not counted in ClinVar's aggregate classification.

Dr. Peter K. Rogan Lab, Western University
No classification provided (evidence only). Condition: Hepatocellular carcinoma. Review status: no classification provided. Collection method: in vitro. Allele origin: not applicable. Functional consequence: cryptic splice site. Not counted in ClinVar's aggregate classification.

Dr. Peter K. Rogan Lab, Western University
No classification provided (evidence only). Condition: Lymphoma. Review status: no classification provided. Collection method: in vitro. Allele origin: not applicable. Functional consequence: retained intron. Not counted in ClinVar's aggregate classification.

Dr. Peter K. Rogan Lab, Western University
No classification provided (evidence only). Condition: Lymphoma. Review status: no classification provided. Collection method: in vitro. Allele origin: not applicable. Functional consequence: retained intron. Not counted in ClinVar's aggregate classification.

Dr. Peter K. Rogan Lab, Western University
No classification provided (evidence only). Condition: Ovarian cancer. Review status: no classification provided. Collection method: in vitro. Allele origin: not applicable. Functional consequence: cryptic splice site, retained intron. Not counted in ClinVar's aggregate classification.

Dr. Peter K. Rogan Lab, Western University
No classification provided (evidence only). Condition: Ovarian cancer. Review status: no classification provided. Collection method: in vitro. Allele origin: not applicable. Functional consequence: retained intron. Not counted in ClinVar's aggregate classification.